The following is an entry in ClinVar:

ClinVar aggregate classification (germline): Uncertain significance (1 of 4 stars; one submission).

Allele frequency attached by ClinVar (database versions not stated): TOPMed below 0.00001; gnomAD exomes 0.00001 and 0.00002; ExAC 0.00002.
gnomAD v4.1: 6 of 1,614,214 alleles (0.00037%); highest among the groups gnomAD compares: Admixed American, 0.0083%; no homozygotes.

Submission:

Labcorp Genetics (formerly Invitae), Labcorp
Classification: Uncertain significance. Last evaluated: 2026-01-21. Review status: criteria provided, single submitter. Criteria: Invitae Variant Classification Sherloc (09022015). Collection method: clinical testing. Allele origin: germline.
Comment: This sequence change replaces asparagine, which is neutral and polar, with serine, which is neutral and polar, at codon 112 of the CACNA1D protein (p.Asn112Ser). This variant is present in population databases (rs762596454, gnomAD 0.01%). This variant has not been reported in the literature in individuals affected with CACNA1D-related conditions. ClinVar contains an entry for this variant (Variation ID: 1517567). Invitae Evidence Modeling of protein sequence and biophysical properties (such as structural, functional, and spatial information, amino acid conservation, physicochemical variation, residue mobility, and thermodynamic stability) indicates that this missense variant is not expected to disrupt CACNA1D protein function with a negative predictive value of 80%. In summary, the available evidence is currently insufficient to determine the role of this variant in disease. Therefore, it has been classified as a Variant of Uncertain Significance.

NM_001128840.3(CACNA1D):c.335A>G (p.Asn112Ser)

Gene: CACNA1D (calcium voltage-gated channel subunit alpha1 D; plus strand). Cytogenetic location: 3p21.1.
Variant type: single nucleotide variant.
Coding change: c.335A>G on transcript NM_001128840.3 (MANE Select); coding-DNA position 335, A replaced by G.
Protein change: p.Asn112Ser; replaces asparagine 112 with serine.
Molecular consequence: missense variant.
Genome position (GRCh38, 1-based): chr3:53,497,419, A>G. VCF-style: chr3-53497419-A-G. GRCh37 (hg19) VCF-style: chr3-53531446-A-G.
Other names: c.335A>G, p.Asn112Ser (NM_000720.4, NM_001128839.3); short protein forms N112S.
Identifiers: ClinVar variation 1517567 (VCV001517567.8), dbSNP rs762596454, ClinGen allele CA2453660.
Genomic context (GRCh38, chr3:53,497,419, plus strand): 5'-AAAAACAGGGTAACTCGTCCAACAGCCGACCTGCCCGCGCCCTTTTCTGTTTATCACTCA[A>G]TAACCCCATCCGAAGAGCCTGCATTAGTATAGTGGAATGGAAGTATCCTTTTTTTGGGGG-3'
Protein context (NP_001122312.1, residues 102-122): PARALFCLSL[Asn112Ser]NPIRRACISI